The following is an entry in ClinVar:

ClinVar aggregate classification (germline): Uncertain significance (1 of 4 stars; one submission).

Conditions:
Fanconi anemia complementation group I (FANCI). Also called: FANCI-Related Fanconi Anemia. Identifiers: Orphanet 84, MedGen C1836861, MONDO:0012186, OMIM 609053.

Allele frequency attached by ClinVar (database versions not stated): gnomAD exomes below 0.00001.
gnomAD v4.1: 3 of 1,614,002 alleles (0.00019%); highest among the groups gnomAD compares: Non-Finnish European, 0.00025%; no homozygotes.

Submission:

Baylor Genetics
Classification: Uncertain significance for Fanconi anemia complementation group I. Last evaluated: 2020-02-23. Review status: criteria provided, single submitter. Criteria: ACMG Guidelines, 2015. Collection method: clinical testing. Allele origin: unknown. Affected: yes. Study: CSER-TexasKidsCanSeq.
Comment: This variant was determined to be of uncertain significance according to ACMG Guidelines, 2015 [PMID:25741868].

NM_001113378.2(FANCI):c.349A>G (p.Arg117Gly)

Gene: FANCI (FA complementation group I; plus strand). Cytogenetic location: 15q26.1.
Variant type: single nucleotide variant.
Coding change: c.349A>G on transcript NM_001113378.2 (MANE Select); coding-DNA position 349, A replaced by G.
Protein change: p.Arg117Gly; replaces arginine 117 with glycine.
Molecular consequence: missense variant.
Genome position (GRCh38, 1-based): chr15:89,261,645, A>G. VCF-style: chr15-89261645-A-G. GRCh37 (hg19) VCF-style: chr15-89804876-A-G.
Other names: c.70A>G, p.Arg24Gly (NM_001376910.1); c.349A>G, p.Arg117Gly (NM_001376911.1, NM_018193.3); short protein forms R117G, R24G.
Identifiers: ClinVar variation 997536 (VCV000997536.2), dbSNP rs548947826, ClinGen allele CA274536647.